The following is an entry in ClinVar:

NM_006662.3(SRCAP):c.7703C>T (p.Ser2568Phe)

Gene: SRCAP (Snf2 related CREBBP activator protein; plus strand). Cytogenetic location: 16p11.2.
Variant type: single nucleotide variant.
Coding change: c.7703C>T on transcript NM_006662.3 (MANE Select); coding-DNA position 7703, C replaced by T.
Protein change: p.Ser2568Phe; replaces serine 2568 with phenylalanine.
Molecular consequence: missense variant.
Genome position (GRCh38, 1-based): chr16:30,737,743, C>T. VCF-style: chr16-30737743-C-T. GRCh37 (hg19) VCF-style: chr16-30749064-C-T.
Other names: short protein forms S2568F.
Identifiers: ClinVar variation 2692537 (VCV002692537.1), dbSNP rs2506728534, ClinGen allele CA395634213.

ClinVar aggregate classification (germline): Likely pathogenic (1 of 4 stars; one submission).

Conditions:
Developmental delay, hypotonia, musculoskeletal defects, and behavioral abnormalities. Identifiers: MedGen C5562012, MONDO:0859202, OMIM 619595.

Submission:

Greenwood Genetic Center Diagnostic Laboratories, Greenwood Genetic Center
Classification: Likely pathogenic for Developmental delay, hypotonia, musculoskeletal defects, and behavioral abnormalities. Last evaluated: 2023-10-02. Review status: criteria provided, single submitter. Criteria: ACMG Guidelines, 2015. Collection method: clinical testing. Allele origin: germline. Affected: yes.
Comment: PS2, PM2